The following is an entry in ClinVar:

ClinVar aggregate classification (germline): Uncertain significance (1 of 4 stars; one submission).

Conditions:
Familial infantile myasthenia (CMS6). Also called: MYASTHENIC SYNDROME, PRESYNAPTIC, CONGENITAL, ASSOCIATED WITH EPISODIC APNEA; Congenital myasthenic syndrome type 6; MYASTHENIC SYNDROME, CONGENITAL, 6, PRESYNAPTIC. Identifiers: Orphanet 590, MedGen C0393929, MONDO:0009689, OMIM 254210.

Allele frequency attached by ClinVar (database versions not stated): gnomAD exomes below 0.00001.
gnomAD v4.1: 1 of 1,614,220 alleles (0.000062%); no homozygotes.

Submission:

Labcorp Genetics (formerly Invitae), Labcorp
Classification: Uncertain significance for Familial infantile myasthenia. Last evaluated: 2022-06-10. Review status: criteria provided, single submitter. Criteria: Invitae Variant Classification Sherloc (09022015). Collection method: clinical testing. Allele origin: germline.
Comment: This sequence change replaces leucine, which is neutral and non-polar, with valine, which is neutral and non-polar, at codon 630 of the CHAT protein (p.Leu630Val). This variant is present in population databases (no rsID available, gnomAD 0.01%). In summary, the available evidence is currently insufficient to determine the role of this variant in disease. Therefore, it has been classified as a Variant of Uncertain Significance. Advanced modeling of protein sequence and biophysical properties (such as structural, functional, and spatial information, amino acid conservation, physicochemical variation, residue mobility, and thermodynamic stability) performed at Invitae indicates that this missense variant is not expected to disrupt CHAT protein function. This variant has not been reported in the literature in individuals affected with CHAT-related conditions.

NM_020549.5(CHAT):c.1888C>G (p.Leu630Val)

Gene: CHAT (choline O-acetyltransferase; plus strand). Cytogenetic location: 10q11.23.
Variant type: single nucleotide variant.
Coding change: c.1888C>G on transcript NM_020549.5 (MANE Select); coding-DNA position 1888, C replaced by G.
Protein change: p.Leu630Val; replaces leucine 630 with valine.
Molecular consequence: missense variant.
Genome position (GRCh38, 1-based): chr10:49,662,693, C>G. VCF-style: chr10-49662693-C-G. GRCh37 (hg19) VCF-style: chr10-50870739-C-G.
Other names: c.1534C>G, p.Leu512Val (NM_001142929.2, NM_001142934.2, NM_020984.4 and 2 more transcripts); c.1642C>G, p.Leu548Val (NM_001142933.2); short protein forms L630V, L512V, L548V.
Identifiers: ClinVar variation 2004420 (VCV002004420.4), dbSNP rs1362053478, ClinGen allele CA376711489.
Genomic context (GRCh38, chr10:49,662,693, plus strand): 5'-CCAACTACACAGGCCATAACAGGGATGGCCATTGACAACCACCTGCTGGCACTGCGGGAG[C>G]TGGCCCGGGCCATGTGCAAGGAGCTGCCCGAGATGTTCATGGATGAAACCTACCTGATGA-3'
Protein context (NP_065574.4, residues 620-640): IDNHLLALRE[Leu630Val]ARAMCKELPE